The following is an entry in ClinVar:

NM_030665.4(RAI1):c.2386dup (p.Glu796fs)

Gene: RAI1 (retinoic acid induced 1; plus strand). Cytogenetic location: 17p11.2.
Variant type: Duplication.
Coding change: c.2386dup on transcript NM_030665.4 (MANE Select); coding-DNA position 2386, one base duplicated (G; older notation c.2386dupG).
Protein change: p.Glu796fs; shifts the reading frame from glutamic acid 796.
Molecular consequence: frameshift variant.
Genome position (GRCh38, 1-based): chr17:17,795,334, G duplicated; the last of 2 consecutive G bases (chr17:17,795,333-17,795,334); duplicating either gives the same sequence. VCF-style (leftmost placement, unchanged base first): chr17-17795332-A-AG. GRCh37 (hg19) VCF-style: chr17-17698646-A-AG.
Other names: short protein forms E796fs.
Identifiers: ClinVar variation 1711431 (VCV001711431.30), dbSNP rs2508581126, ClinGen allele CA2580092747.

ClinVar aggregate classification (germline): Pathogenic (1 of 4 stars; one submission).

Submission:

CeGaT Center for Human Genetics Tuebingen
Classification: Pathogenic. Last evaluated: 2022-09-01. Review status: criteria provided, single submitter. Criteria: CeGaT Center For Human Genetics Tuebingen Variant Classification Criteria Version 2. Collection method: clinical testing. Allele origin: germline. Affected: yes. Observed: 1 variant allele.
Comment: RAI1: PS2, PVS1:Strong, PM2